The following is an entry in ClinVar:

ClinVar aggregate classification (germline): Uncertain significance (1 of 4 stars; one submission).

gnomAD v4.1: 28 of 1,613,938 alleles (0.0017%); highest among the groups gnomAD compares: Non-Finnish European, 0.0022%; no homozygotes.

Submission:

Labcorp Genetics (formerly Invitae), Labcorp
Classification: Uncertain significance. Last evaluated: 2024-03-03. Review status: criteria provided, single submitter. Criteria: Invitae Variant Classification Sherloc (09022015). Collection method: clinical testing. Allele origin: germline.
Comment: This sequence change replaces leucine, which is neutral and non-polar, with phenylalanine, which is neutral and non-polar, at codon 1424 of the NYNRIN protein (p.Leu1424Phe). This variant is not present in population databases (gnomAD no frequency). This variant has not been reported in the literature in individuals affected with NYNRIN-related conditions. Experimental studies and prediction algorithms are not available or were not evaluated, and the functional significance of this variant is currently unknown. In summary, the available evidence is currently insufficient to determine the role of this variant in disease. Therefore, it has been classified as a Variant of Uncertain Significance.

NM_025081.3(NYNRIN):c.4270C>T (p.Leu1424Phe)

Gene: NYNRIN (NYN domain and retroviral integrase containing; plus strand). Cytogenetic location: 14q12.
Variant type: single nucleotide variant.
Coding change: c.4270C>T on transcript NM_025081.3 (MANE Select); coding-DNA position 4270, C replaced by T.
Protein change: p.Leu1424Phe; replaces leucine 1424 with phenylalanine.
Molecular consequence: missense variant.
Genome position (GRCh38, 1-based): chr14:24,416,019, C>T. VCF-style: chr14-24416019-C-T. GRCh37 (hg19) VCF-style: chr14-24885225-C-T.
Other names: short protein forms L1424F.
Identifiers: ClinVar variation 3632674 (VCV003632674.2).